The following is an entry in ClinVar:

NM_206933.4(USH2A):c.14787del (p.Glu4930fs)

Gene: USH2A (usherin; minus strand). Cytogenetic location: 1q41.
Variant type: Deletion.
Coding change: c.14787del on transcript NM_206933.4 (MANE Select); coding-DNA position 14787, one base deleted (A; older notation c.14787delA).
Protein change: p.Glu4930fs; shifts the reading frame from glutamic acid 4930.
Molecular consequence: frameshift variant.
Genome position (GRCh38, 1-based): chr1:215,647,526, T deleted on the plus strand (A on the coding strand, the reverse complement: USH2A is on the minus strand); the first of 5 consecutive T bases (chr1:215,647,526-215,647,530); deleting any one gives the same sequence. VCF-style (leftmost placement, unchanged base first): chr1-215647525-CT-C. GRCh37 (hg19) VCF-style: chr1-215820867-CT-C.
Other names: c.14787del (NM_206933.2); short protein forms E4930fs.
Identifiers: ClinVar variation 817032 (VCV000817032.18), dbSNP rs34713174, ClinGen allele CA37389077.

ClinVar aggregate classification (germline): Pathogenic/Likely pathogenic. Review status: criteria provided, multiple submitters, no conflicts (2 of 4 stars). 6 submissions from 6 submitters: Pathogenic (5); Likely pathogenic (1). Last evaluated 2025-10-07.

Conditions:
USH2A-related disorder. Also called: USH2A-related disorders; USH2A-related condition. Identifiers: MedGen CN239332.
Retinitis pigmentosa 39 (RP39). Identifiers: Orphanet 791, MedGen C3151138, MONDO:0013436, OMIM 613809.
Usher syndrome type 2A. Also called: USHER SYNDROME, TYPE IIA; RETINAL DISEASE IN USHER SYNDROME TYPE IIA, MODIFIER OF. Identifiers: Orphanet 231178, Orphanet 886, MedGen C1848634, MONDO:0010169, OMIM 276901.

Submissions (6):

Natera, Inc.
Classification: Pathogenic for Usher syndrome type 2A. Last evaluated: 2025-10-07. Review status: criteria provided, single submitter. Criteria: Natera Variant Classification Schema (03/2026). Collection method: clinical testing. Allele origin: germline.
Comment: The c.14787del variant in USH2A is a frameshift variant predicted to shift the reading frame beginning at codon 4930 and leads to a stop codon 20 codons downstream. This variant is expected to result in nonsense mediated decay, truncation, or a dysfunctional protein product. This variant is rare in the general population with a frequency below the threshold expected for the associated phenotype(s). This variant has been observed in one or more individuals affected with the associated recessive disease, as either homozygous or compound heterozygous with a second variant (PMID: 39337481). Given the available evidence, this variant is classified as Pathogenic.

Labcorp Genetics (formerly Invitae), Labcorp
Classification: Pathogenic. Last evaluated: 2025-04-16. Review status: criteria provided, single submitter. Criteria: Invitae Variant Classification Sherloc (09022015). Collection method: clinical testing. Allele origin: germline.
Comment: This sequence change creates a premature translational stop signal (p.Glu4930Asnfs*20) in the USH2A gene. It is expected to result in an absent or disrupted protein product. Loss-of-function variants in USH2A are known to be pathogenic (PMID: 10729113, 10909849, 20507924, 25649381). This variant is not present in population databases (gnomAD no frequency). This premature translational stop signal has been observed in individual(s) with autosomal recessive retinitis pigmentosa (PMID: 20507924). ClinVar contains an entry for this variant (Variation ID: 817032). For these reasons, this variant has been classified as Pathogenic.

Genome-Nilou Lab
Classification: Likely pathogenic for Retinitis pigmentosa 39. Last evaluated: 2023-11-04. Review status: criteria provided, single submitter. Criteria: ACMG Guidelines, 2015. Collection method: clinical testing. Allele origin: germline. Affected: no.

Baylor Genetics
Classification: Pathogenic for Retinitis pigmentosa 39. Last evaluated: 2023-08-24. Review status: criteria provided, single submitter. Criteria: ACMG Guidelines, 2015. Collection method: clinical testing. Allele origin: unknown.

Blueprint Genetics
Classification: Pathogenic for USH2A-related disorders. Last evaluated: 2022-08-01. Review status: criteria provided, single submitter. Criteria: ACMG Guidelines, 2015. Collection method: clinical testing. Allele origin: germline. Affected: yes. Observed: 5 variant alleles.

GeneDx
Classification: Pathogenic. Last evaluated: 2019-12-24. Review status: criteria provided, single submitter. Criteria: GeneDx Variant Classification Process June 2021. Collection method: clinical testing. Allele origin: germline. Affected: yes.
Comment: Identified in the heterozygous state in an individual with autosomal recessive retinitis pigmentosa, however, it is unknown if this individual harbored a second USH2A variant as limited information was provided in the report (McGee et al., 2010); Frameshift variant predicted to result in protein truncation or nonsense mediated decay in a gene for which loss-of-function is a known mechanism of disease; Not observed in large population cohorts (Lek et al., 2016); This variant is associated with the following publications: (PMID: 20507924)

Literature cited by the submitters: PubMed 39337481 (cited by Natera, Inc.); PubMed 10729113 (cited by Labcorp Genetics (formerly Invitae), Labcorp); PubMed 10909849 (cited by Labcorp Genetics (formerly Invitae), Labcorp); PubMed 20507924 (cited by Labcorp Genetics (formerly Invitae), Labcorp); PubMed 25649381 (cited by Labcorp Genetics (formerly Invitae), Labcorp).